The following is an entry in ClinVar:

ClinVar aggregate classification (germline): Likely benign (1 of 4 stars; one submission).

Allele frequency attached by ClinVar (database versions not stated): TOPMed 0.01529; gnomAD 0.01588 and 0.01646; 1000 Genomes Project 30x 0.01889; 1000 Genomes Project 0.02077.
gnomAD v4.1: 2,522 of 152,152 alleles (1.7%); highest among the groups gnomAD compares: East Asian, 6.8%; 37 homozygotes.

Submission:

GeneDx
Classification: Likely benign. Last evaluated: 2018-06-16. Review status: criteria provided, single submitter. Criteria: GeneDx Variant Classification (06012015). Collection method: clinical testing. Allele origin: germline. Affected: yes.
Comment: This variant is considered likely benign or benign based on one or more of the following criteria: it is a conservative change, it occurs at a poorly conserved position in the protein, it is predicted to be benign by multiple in silico algorithms, and/or has population frequency not consistent with disease.

NM_020774.4(MIB1):c.230-183C>T

Gene: MIB1 (MIB E3 ubiquitin protein ligase 1; plus strand). Cytogenetic location: 18q11.2.
Variant type: single nucleotide variant.
Coding change: c.230-183C>T on transcript NM_020774.4 (MANE Select); 183 bases into the intron before coding-DNA position 230, C replaced by T.
Molecular consequence: intron variant.
Genome position (GRCh38, 1-based): chr18:21,765,589, C>T. VCF-style: chr18-21765589-C-T. GRCh37 (hg19) VCF-style: chr18-19345550-C-T.
Identifiers: ClinVar variation 679561 (VCV000679561.1), dbSNP rs45448301, ClinGen allele CA14600922.